The following is an entry in ClinVar:

NM_000245.4(MET):c.690G>A (p.Thr230=)

Gene: MET (MET proto-oncogene, receptor tyrosine kinase; plus strand). Cytogenetic location: 7q31.2.
Variant type: single nucleotide variant.
Coding change: c.690G>A on transcript NM_000245.4 (MANE Select); coding-DNA position 690, G replaced by A.
Protein change: p.Thr230=; no amino-acid change (threonine 230 retained).
Molecular consequence: synonymous variant. On other transcripts: intron variant (1).
Genome position (GRCh38, 1-based): chr7:116,699,774, G>A. VCF-style: chr7-116699774-G-A. GRCh37 (hg19) VCF-style: chr7-116339828-G-A.
Other names: c.690G>A, p.Thr230= (NM_001127500.3, NM_001324401.3); c.-91+27197G>A (NM_001324402.2); c.690G>A (NM_001127500.2).
Identifiers: ClinVar variation 454255 (VCV000454255.19), dbSNP rs200138253, ClinGen allele CA4448016.
Genomic context (GRCh38, chr7:116,699,774, plus strand): 5'-ATTGCATTCGATATCAGTGAGAAGGCTAAAGGAAACGAAAGATGGTTTTATGTTTTTGAC[G>A]GACCAGTCCTACATTGATGTTTTACCTGAGTTCAGAGATTCTTACCCCATTAAGTATGTC-3'
Protein context (NP_000236.2, residues 220-240): KETKDGFMFL[Thr230=]DQSYIDVLPE

ClinVar aggregate classification (germline): Benign/Likely benign. Review status: criteria provided, multiple submitters, no conflicts (2 of 4 stars). 5 submissions from 5 submitters: Benign (2); Likely benign (2). 1 of the submissions does not count toward it. Last evaluated 2026-01-14.

Conditions:
Renal cell carcinoma. Identifiers: Orphanet 217071, MedGen C0007134, MeSH D002292, MONDO:0005086, HP:0005584.
MET-related disorder. Also called: MET-related condition.
Hereditary cancer-predisposing syndrome. Also called: Neoplastic Syndromes, Hereditary; Hereditary Cancer Syndrome; Hereditary neoplastic syndrome; Tumor predisposition. Identifiers: Orphanet 140162, MedGen C0027672, MeSH D009386, MONDO:0015356.
Papillary renal cell carcinoma type 1 (RCCP1). Also called: Renal adenocarcinoma; Renal cell carcinoma 1; Renal cell carcinoma, somatic; RENAL CELL CARCINOMA, PAPILLARY, 1, SOMATIC. Identifiers: Orphanet 47044, MedGen C1336839, OMIM 605074, HP:0011797.

Allele frequency attached by ClinVar (database versions not stated): TOPMed 0.00002; gnomAD 0.00003; gnomAD exomes 0.00006; ESP Exome Variant Server 0.00008; 1000 Genomes Project 30x 0.00047; 1000 Genomes Project 0.00060.
gnomAD v4.1: 99 of 1,614,012 alleles (0.0061%); highest among the groups gnomAD compares: South Asian, 0.078%; 2 homozygotes.

Submissions (5):

Labcorp Genetics (formerly Invitae), Labcorp
Classification: Benign for Renal cell carcinoma. Last evaluated: 2026-01-14. Review status: criteria provided, single submitter. Criteria: Invitae Variant Classification Sherloc (09022015). Collection method: clinical testing. Allele origin: germline.

Blueprint Genetics
Classification: Likely benign. Last evaluated: 2024-04-12. Review status: criteria provided, single submitter. Criteria: ACMG Guidelines, 2015. Collection method: clinical testing. Allele origin: germline.

KCCC/NGS Laboratory, Kuwait Cancer Control Center
Classification: Benign for Papillary renal cell carcinoma type 1. Last evaluated: 2023-07-07. Review status: criteria provided, single submitter. Criteria: ACMG Guidelines, 2015. Collection method: clinical testing. Allele origin: germline. Affected: yes.

Ambry Genetics
Classification: Likely benign for Hereditary cancer-predisposing syndrome. Last evaluated: 2016-11-07. Review status: criteria provided, single submitter. Criteria: Ambry Variant Classification Scheme 2023. Collection method: clinical testing. Allele origin: germline.

PreventionGenetics, part of Exact Sciences
Classification: Likely benign for MET-related condition. Last evaluated: 2019-06-20. Review status: no assertion criteria provided. Collection method: clinical testing. Allele origin: germline. Not counted in ClinVar's aggregate classification.
Comment: This variant is classified as likely benign based on ACMG/AMP sequence variant interpretation guidelines (Richards et al. 2015 PMID: 25741868, with internal and published modifications).